The following is an entry in ClinVar:

ClinVar aggregate classification (germline): Uncertain significance. Review status: criteria provided, multiple submitters, no conflicts (2 of 4 stars). 3 submissions from 3 submitters: Uncertain significance (2). 1 of the submissions does not count toward it. Last evaluated 2018-04-16.

Conditions:
Oocyte maturation defect 4. Also called: OOCYTE/ZYGOTE/EMBRYO MATURATION ARREST 4. Identifiers: MedGen C4540284, MONDO:0021575, OMIM 617743.

Allele frequency attached by ClinVar (database versions not stated): gnomAD exomes 0.00002 and 0.00005; TOPMed 0.00002; gnomAD 0.00003; ExAC 0.00005; 1000 Genomes Project 30x 0.00016; 1000 Genomes Project 0.00020.

Submissions (3):

SIB Swiss Institute of Bioinformatics
Classification: Uncertain significance for Oocyte maturation defect 4. Last evaluated: 2018-04-16. Review status: criteria provided, single submitter. Criteria: ACMG Guidelines, 2015. Collection method: curation. Allele origin: germline.
Comment: This variant is interpreted as a Uncertain Significance, for Oocyte maturation defect 4, Autosomal Recessive inheritance. The following ACMG Tag(s) were applied: PM2 => Absent from controls (or at extremely low frequency if recessive) in Exome Sequencing Project, 1000 Genomes Project, or Exome Aggregation Consortium. PP3 => Multiple lines of computational evidence support a deleterious effect on the gene or gene product.

Juno Genomics, Hangzhou Juno Genomics, Inc
Classification: Uncertain significance for Oocyte maturation defect 4. Review status: criteria provided, single submitter. Criteria: ACMG Guidelines, 2015. Collection method: clinical testing. Allele origin: germline. Affected: yes.
Comment: Absent from controls (or at extremely low frequency if recessive) in Genome Aggregation Database, Exome Sequencing Project, 1000 Genomes Project, or Exome Aggregation Consortium.;Patient's phenotype or family history is highly specific for a disease with a single genetic etiology.;For recessive disorders, detected in trans with a pathogenic variant.

OMIM
Classification: Pathogenic for OOCYTE/ZYGOTE/EMBRYO MATURATION ARREST 4. Last evaluated: 2023-04-10. Review status: no assertion criteria provided. Collection method: literature only. Allele origin: germline. Not counted in ClinVar's aggregate classification.

Literature cited by the submitters: PubMed 28965849 (cited by SIB Swiss Institute of Bioinformatics and OMIM).

NM_001387263.1(PATL2):c.839G>A (p.Arg280Gln)

Gene: PATL2 (PAT1 homolog 2; minus strand). Cytogenetic location: 15q21.1.
Variant type: single nucleotide variant.
Coding change: c.839G>A on transcript NM_001387263.1 (MANE Select); coding-DNA position 839, G replaced by A.
Protein change: p.Arg280Gln; replaces arginine 280 with glutamine.
Molecular consequence: missense variant.
Genome position (GRCh38, 1-based): chr15:44,669,814, C>T on the plus strand (G>A on the coding strand, the complement: PATL2 is on the minus strand). VCF-style: chr15-44669814-C-T. GRCh37 (hg19) VCF-style: chr15-44962012-C-T.
Other names: NM_001145112.1:c.839G>A(p.Arg280Gln); c.839G>A, p.Arg280Gln (NM_001145112.2, NM_001387261.1, NM_001387262.1); c.272G>A, p.Arg91Gln (NM_001330283.2); c.746G>A, p.Arg249Gln (NM_001387260.1, NM_001387264.1); short protein forms R280Q, R91Q, R249Q.
Identifiers: ClinVar variation 444052 (VCV000444052.4), dbSNP rs569729547, ClinGen allele CA7536109.